The following is an entry in ClinVar:

NM_000080.4(CHRNE):c.1000A>G (p.Thr334Ala)

Gene: CHRNE (cholinergic receptor nicotinic epsilon subunit; minus strand). Cytogenetic location: 17p13.2.
Variant type: single nucleotide variant.
Coding change: c.1000A>G on transcript NM_000080.4 (MANE Select); coding-DNA position 1000, A replaced by G.
Protein change: p.Thr334Ala; replaces threonine 334 with alanine.
Molecular consequence: missense variant.
Genome position (GRCh38, 1-based): chr17:4,899,500, T>C on the plus strand (A>G on the coding strand, the complement: CHRNE is on the minus strand). VCF-style: chr17-4899500-T-C. GRCh37 (hg19) VCF-style: chr17-4802795-T-C.
Other names: short protein forms T334A.
Identifiers: ClinVar variation 2762216 (VCV002762216.3), dbSNP rs1164118107, ClinGen allele CA397300867.

ClinVar aggregate classification (germline): Uncertain significance (1 of 4 stars; one submission).

Conditions:
Congenital myasthenic syndrome 4A. Also called: Myasthenic syndrome, congenital, 4a, slow-channel; CONGENITAL MYASTHENIC SYNDROME TYPE Ia1; MYASTHENIC SYNDROME, CONGENITAL, 4A, SLOW-CHANNEL, AUTOSOMAL RECESSIVE. Identifiers: Orphanet 590, MedGen C4225413, MONDO:0011600, OMIM 605809.

Allele frequency attached by ClinVar (database versions not stated): gnomAD exomes below 0.00001; TOPMed below 0.00001.
gnomAD v4.1: 1 of 1,602,254 alleles (0.000062%); highest among the groups gnomAD compares: South Asian, 0.0011%; no homozygotes.

Submission:

Labcorp Genetics (formerly Invitae), Labcorp
Classification: Uncertain significance for Congenital myasthenic syndrome 4A. Last evaluated: 2023-09-20. Review status: criteria provided, single submitter. Criteria: Invitae Variant Classification Sherloc (09022015). Collection method: clinical testing. Allele origin: germline.
Comment: In summary, the available evidence is currently insufficient to determine the role of this variant in disease. Therefore, it has been classified as a Variant of Uncertain Significance. Advanced modeling of protein sequence and biophysical properties (such as structural, functional, and spatial information, amino acid conservation, physicochemical variation, residue mobility, and thermodynamic stability) performed at Invitae indicates that this missense variant is not expected to disrupt CHRNE protein function. This variant has not been reported in the literature in individuals affected with CHRNE-related conditions. This variant is not present in population databases (gnomAD no frequency). This sequence change replaces threonine, which is neutral and polar, with alanine, which is neutral and non-polar, at codon 334 of the CHRNE protein (p.Thr334Ala).